The following is an entry in ClinVar:

NM_001369.3(DNAH5):c.1463C>G (p.Thr488Arg)

Gene: DNAH5 (dynein axonemal heavy chain 5; minus strand). Cytogenetic location: 5p15.2.
Variant type: single nucleotide variant.
Coding change: c.1463C>G on transcript NM_001369.3 (MANE Select); coding-DNA position 1463, C replaced by G.
Protein change: p.Thr488Arg; replaces threonine 488 with arginine.
Molecular consequence: missense variant.
Genome position (GRCh38, 1-based): chr5:13,913,816, G>C on the plus strand (C>G on the coding strand, the complement: DNAH5 is on the minus strand). VCF-style: chr5-13913816-G-C. GRCh37 (hg19) VCF-style: chr5-13913925-G-C.
Other names: short protein forms T488R.
Identifiers: ClinVar variation 1987000 (VCV001987000.1), dbSNP rs751526615, ClinGen allele CA3204848.

ClinVar aggregate classification (germline): Uncertain significance (1 of 4 stars; one submission).

Conditions:
Primary ciliary dyskinesia. Also called: Ciliary dyskinesia. Identifiers: Orphanet 244, MedGen C0008780, MONDO:0016575, HP:0012265.

Allele frequency attached by ClinVar (database versions not stated): ExAC 0.00001; gnomAD exomes 0.00002; TOPMed 0.00002.
gnomAD v4.1: 33 of 1,613,626 alleles (0.002%); highest among the groups gnomAD compares: South Asian, 0.0033%; no homozygotes.

Submission:

Labcorp Genetics (formerly Invitae), Labcorp
Classification: Uncertain significance for Primary ciliary dyskinesia. Last evaluated: 2022-04-19. Review status: criteria provided, single submitter. Criteria: Invitae Variant Classification Sherloc (09022015). Collection method: clinical testing. Allele origin: germline.
Comment: This sequence change replaces threonine, which is neutral and polar, with arginine, which is basic and polar, at codon 488 of the DNAH5 protein (p.Thr488Arg). This variant is present in population databases (rs751526615, gnomAD 0.002%). This variant has not been reported in the literature in individuals affected with DNAH5-related conditions. Advanced modeling of protein sequence and biophysical properties (such as structural, functional, and spatial information, amino acid conservation, physicochemical variation, residue mobility, and thermodynamic stability) performed at Invitae indicates that this missense variant is not expected to disrupt DNAH5 protein function. In summary, the available evidence is currently insufficient to determine the role of this variant in disease. Therefore, it has been classified as a Variant of Uncertain Significance.